The following is an entry in ClinVar:

ClinVar aggregate classification (germline): Uncertain significance (1 of 4 stars; one submission).

Submission:

Labcorp Genetics (formerly Invitae), Labcorp
Classification: Uncertain significance. Last evaluated: 2023-01-01. Review status: criteria provided, single submitter. Criteria: Invitae Variant Classification Sherloc (09022015). Collection method: clinical testing. Allele origin: germline.
Comment: In summary, the available evidence is currently insufficient to determine the role of this variant in disease. Therefore, it has been classified as a Variant of Uncertain Significance. Variants that disrupt the consensus splice site are a relatively common cause of aberrant splicing (PMID: 17576681, 9536098). Algorithms developed to predict the effect of sequence changes on RNA splicing suggest that this variant is not likely to affect RNA splicing. This variant has not been reported in the literature in individuals affected with HOXA13-related conditions. This variant is not present in population databases (gnomAD no frequency). This sequence change falls in intron 1 of the HOXA13 gene. It does not directly change the encoded amino acid sequence of the HOXA13 protein. It affects a nucleotide within the consensus splice site.

Literature cited by the submitters: PubMed 17576681; PubMed 9536098.

NM_000522.5(HOXA13):c.923-3T>C

Genes: HOXA13 (homeobox A13; minus strand), LOC107126288 (NUP98-HOXA13 recombination region; plus strand). Cytogenetic location: 7p15.2.
Variant type: single nucleotide variant.
Coding change: c.923-3T>C on transcript NM_000522.5 (MANE Select); 3 bases into the intron before coding-DNA position 923, T replaced by C.
Molecular consequence: intron variant.
Genome position (GRCh38, 1-based): chr7:27,198,445, A>G on the plus strand (T>C on the coding strand, the complement: HOXA13 is on the minus strand). VCF-style: chr7-27198445-A-G. GRCh37 (hg19) VCF-style: chr7-27238064-A-G.
Identifiers: ClinVar variation 2824317 (VCV002824317.3), dbSNP rs2115471631, ClinGen allele CA2714009359.